The following is an entry in ClinVar:

ClinVar aggregate classification (germline): Pathogenic. Review status: reviewed by expert panel (3 of 4 stars). 2 submissions from 2 submitters: Pathogenic (1). 1 of the submissions does not count toward it. Last evaluated 2023-10-15.

Conditions:
Phenylketonuria (PKU). Also called: Phenylketonuria (PKU); FOLLING DISEASE; OLIGOPHRENIA PHENYLPYRUVICA; Phenylketonurias. Identifiers: Orphanet 716, MedGen C0031485, MONDO:0009861, OMIM 261600. Disease mechanism: loss of function.

Submissions (2):

ClinGen PAH Variant Curation Expert Panel
Classification: Pathogenic for Phenylketonuria. Last evaluated: 2023-10-15. Review status: reviewed by expert panel. Criteria: ClinGen PAH ACMG Specifications v1. Collection method: curation. Allele origin: germline. Inheritance: Autosomal recessive inheritance.
Comment: BH4 deficiency not excluded (PMID: 9391881; PP4). This frameshift variant is predicted to undergo NMD, not located in last exon or last 50bp of preliminary exon (Coding exon number 7 out of 13 coding exons; 7 out of total exons) (PVS1). This variant is absent from population databases (PM2_supporting). In summary, this variant meets criteria to be classified as pathogenic for PAH. PAH-specific ACMG/AMP criteria applied: PVS1, PM2_supporting, PP4.

DeBelle Laboratory for Biochemical Genetics, MUHC/MCH RESEARCH INSTITUTE
No classification provided. Review status: no classification provided. Collection method: not provided. Allele origin: not provided. Not counted in ClinVar's aggregate classification.

NM_000277.3(PAH):c.810_814del (p.His271fs)

Gene: PAH (phenylalanine hydroxylase; minus strand). Cytogenetic location: 12q23.2.
Variant type: Deletion.
Coding change: c.810_814del on transcript NM_000277.3 (MANE Select); coding-DNA positions 810 to 814, 5 bases deleted (ACATG; older notation c.810_814delACATG).
Protein change: p.His271fs; shifts the reading frame from histidine 271.
Molecular consequence: frameshift variant.
Genome position (GRCh38, 1-based): chr12:102,852,843-102,852,847, CATGT deleted on the plus strand (ACATG on the coding strand, the reverse complement: PAH is on the minus strand); deleting any 5 consecutive bases within chr12:102,852,843-102,852,848 gives the same sequence; the c. name uses the placement nearest the transcript's 3' end. VCF-style (leftmost placement, unchanged base first): chr12-102852842-CCATGT-C. GRCh37 (hg19) VCF-style: chr12-103246620-CCATGT-C.
Other names: NM_000277.3(PAH):c.810_814del; p.His271fs; c.810_814del, p.His271fs (NM_001354304.2); short protein forms H271fs.
Identifiers: ClinVar variation 102848 (VCV000102848.1), dbSNP rs62507286, ClinGen allele CA229783.